The following is an entry in ClinVar:

NM_000368.5(TSC1):c.106+16T>C

Gene: TSC1 (TSC complex subunit 1; minus strand). Cytogenetic location: 9q34.13.
Variant type: single nucleotide variant.
Coding change: c.106+16T>C on transcript NM_000368.5 (MANE Select); 16 bases into the intron after coding-DNA position 106, T replaced by C.
Molecular consequence: intron variant.
Genome position (GRCh38, 1-based): chr9:132,928,751, A>G on the plus strand (T>C on the coding strand, the complement: TSC1 is on the minus strand). VCF-style: chr9-132928751-A-G. GRCh37 (hg19) VCF-style: chr9-135804138-A-G.
Other names: c.106+16T>C (NM_001406604.1, NM_001406608.1, NM_001162426.2 and 21 more transcripts); c.-988+16T>C (NM_001406630.1); c.-350+16T>C (NM_001406624.1, NM_001406616.1); c.-383+16T>C (NM_001406623.1, NM_001406615.1); c.-154+16T>C (NM_001406625.1, NM_001406621.1, NM_001406617.1 and 3 more transcripts); c.-772+16T>C (NM_001406627.1, NM_001406628.1, NM_001406626.1); c.-914+16T>C (NM_001406629.1); c.-153-3012T>C (NM_001406620.1, NM_001406618.1); and 1 more.
Identifiers: ClinVar variation 2901579 (VCV002901579.3), dbSNP rs1847029176, ClinGen allele CA2739265177.

ClinVar aggregate classification (germline): Uncertain significance (1 of 4 stars; one submission).

Conditions:
Tuberous sclerosis 1 (TSC1). Identifiers: Orphanet 805, MedGen C1854465, MONDO:0008612, OMIM 191100.

Submission:

Labcorp Genetics (formerly Invitae), Labcorp
Classification: Uncertain significance for Tuberous sclerosis 1. Last evaluated: 2022-12-08. Review status: criteria provided, single submitter. Criteria: Invitae Variant Classification Sherloc (09022015). Collection method: clinical testing. Allele origin: germline.
Comment: Algorithms developed to predict the effect of sequence changes on RNA splicing suggest that this variant may disrupt the consensus splice site. This variant has not been reported in the literature in individuals affected with TSC1-related conditions. In summary, the available evidence is currently insufficient to determine the role of this variant in disease. Therefore, it has been classified as a Variant of Uncertain Significance. This variant is not present in population databases (gnomAD no frequency). This sequence change falls in intron 3 of the TSC1 gene. It does not directly change the encoded amino acid sequence of the TSC1 protein.